The following is an entry in ClinVar:

NM_004958.4(MTOR):c.3840G>C (p.Trp1280Cys)

Gene: MTOR (mechanistic target of rapamycin kinase; minus strand). Cytogenetic location: 1p36.22.
Variant type: single nucleotide variant.
Coding change: c.3840G>C on transcript NM_004958.4 (MANE Select); coding-DNA position 3840, G replaced by C.
Protein change: p.Trp1280Cys; replaces tryptophan 1280 with cysteine.
Molecular consequence: missense variant.
Genome position (GRCh38, 1-based): chr1:11,204,665, C>G on the plus strand (G>C on the coding strand, the complement: MTOR is on the minus strand). VCF-style: chr1-11204665-C-G. GRCh37 (hg19) VCF-style: chr1-11264722-C-G.
Other names: c.3840G>C, p.Trp1280Cys (NM_001386500.1); c.2592G>C, p.Trp864Cys (NM_001386501.1); short protein forms W1280C, W864C.
Identifiers: ClinVar variation 3367923 (VCV003367923.1).

ClinVar aggregate classification (germline): Uncertain significance (1 of 4 stars; one submission).

Submission:

GeneDx
Classification: Uncertain significance. Last evaluated: 2024-01-16. Review status: criteria provided, single submitter. Criteria: GeneDx Variant Classification Process June 2021. Collection method: clinical testing. Allele origin: germline. Affected: yes.
Comment: Not observed at significant frequency in large population cohorts (gnomAD); In silico analysis supports that this missense variant has a deleterious effect on protein structure/function; Has not been previously published as pathogenic or benign to our knowledge